The following is an entry in ClinVar:

ClinVar aggregate classification (germline): Pathogenic (1 of 4 stars; one submission).

Conditions:
Spastic paraplegia. Identifiers: MedGen C0037772, HP:0001258.

Submission:

Labcorp Genetics (formerly Invitae), Labcorp
Classification: Pathogenic for Spastic paraplegia. Last evaluated: 2024-01-24. Review status: criteria provided, single submitter. Criteria: Invitae Variant Classification Sherloc (09022015). Collection method: clinical testing. Allele origin: germline.
Comment: This sequence change creates a premature translational stop signal (p.Gln448*) in the KIF5A gene. It is expected to result in an absent or disrupted protein product. Loss-of-function variants in KIF5A are known to be pathogenic (PMID: 26374131). This variant is not present in population databases (gnomAD no frequency). This variant has not been reported in the literature in individuals affected with KIF5A-related conditions. ClinVar contains an entry for this variant (Variation ID: 2028586). For these reasons, this variant has been classified as Pathogenic.

Literature cited by the submitters: PubMed 26374131.

NM_004984.4(KIF5A):c.1342C>T (p.Gln448Ter)

Gene: KIF5A (kinesin family member 5A; plus strand). Cytogenetic location: 12q13.3.
Variant type: single nucleotide variant.
Coding change: c.1342C>T on transcript NM_004984.4 (MANE Select); coding-DNA position 1342, C replaced by T.
Protein change: p.Gln448Ter; replaces glutamine 448 with a stop codon.
Molecular consequence: nonsense.
Genome position (GRCh38, 1-based): chr12:57,571,369, C>T. VCF-style: chr12-57571369-C-T. GRCh37 (hg19) VCF-style: chr12-57965152-C-T.
Other names: c.1075C>T, p.Gln359Ter (NM_001354705.2); short protein forms Q359*, Q448*.
Identifiers: ClinVar variation 2028586 (VCV002028586.4), dbSNP rs2540503039, ClinGen allele CA385505013.